The following is an entry in ClinVar:

NM_000214.3(JAG1):c.2078_2079del (p.Asp692_Cys693insTer)

Gene: JAG1 (jagged canonical Notch ligand 1; minus strand). Cytogenetic location: 20p12.2.
Variant type: Deletion.
Coding change: c.2078_2079del on transcript NM_000214.3 (MANE Select); coding-DNA positions 2078 to 2079, 2 bases deleted (GT; older notation c.2078_2079delGT).
Protein change: p.Asp692_Cys693insTer.
Molecular consequence: nonsense.
Genome position (GRCh38, 1-based): chr20:10,645,390-10,645,391, AC deleted on the plus strand (GT on the coding strand, the reverse complement: JAG1 is on the minus strand); deleting any 2 consecutive bases within chr20:10,645,390-10,645,392 gives the same sequence; the c. name uses the placement nearest the transcript's 3' end. VCF-style (leftmost placement, unchanged base first): chr20-10645389-TAC-T. GRCh37 (hg19) VCF-style: chr20-10626037-TAC-T.
Identifiers: ClinVar variation 843337 (VCV000843337.10), dbSNP rs2067301859, ClinGen allele CA916083746.

ClinVar aggregate classification (germline): Pathogenic. Review status: criteria provided, multiple submitters, no conflicts (2 of 4 stars). 2 submissions from 2 submitters: Pathogenic (2). Last evaluated 2022-09-01.

Conditions:
Alagille syndrome due to a JAG1 point mutation. Also called: JAG1-Related Alagille Syndrome; Alagille Syndrome 1; HEPATIC DUCTULAR HYPOPLASIA, SYNDROMATIC. Identifiers: Orphanet 261619, Orphanet 52, MedGen C1956125, MONDO:0016862, OMIM 118450.

Submissions (2):

3billion
Classification: Pathogenic for Alagille syndrome due to a JAG1 point mutation. Last evaluated: 2022-09-01. Review status: criteria provided, single submitter. Criteria: ACMG Guidelines, 2015. Collection method: clinical testing. Allele origin: germline. Affected: yes. Observed: 1 heterozygote.
Comment: The variant is not observed in the gnomAD v2.1.1 dataset. Frameshift variant is predicted to result in a loss or disruption of normal protein function through nonsense-mediated decay (NMD) or protein truncation. Multiple pathogenic variants are reported downstream of the variant. The variant has been reported to be associated with JAG1-related disorder (ClinVar ID: VCV000843337 / PMID: 31343788). Therefore, this variant is classified as Pathogenic according to the recommendation of ACMG/AMP guideline.

Labcorp Genetics (formerly Invitae), Labcorp
Classification: Pathogenic for Alagille syndrome due to a JAG1 point mutation. Last evaluated: 2021-02-10. Review status: criteria provided, single submitter. Criteria: Invitae Variant Classification Sherloc (09022015). Collection method: clinical testing. Allele origin: germline.
Comment: This variant is not present in population databases (ExAC no frequency). For these reasons, this variant has been classified as Pathogenic. Loss-of-function variants in JAG1 are known to be pathogenic (PMID: 11180599). This variant has been observed in individual(s) with Alagille syndrome (PMID:25676721). This sequence change creates a premature translational stop signal (p.Cys693*) in the JAG1 gene. It is expected to result in an absent or disrupted protein product.

Literature cited by the submitters: PubMed 31343788 (cited by 3billion); PubMed 11180599 (cited by Labcorp Genetics (formerly Invitae), Labcorp); PubMed 25676721 (cited by Labcorp Genetics (formerly Invitae), Labcorp).